The following is an entry in ClinVar:

ClinVar aggregate classification (germline): Uncertain significance (1 of 4 stars; one submission).

Conditions:
Familial thoracic aortic aneurysm and aortic dissection (TAAD). Also called: Thoracic aortic aneurysms and dissections. Identifiers: Orphanet 91387, MedGen C4707243, MONDO:0019625.

Submission:

All of Us Research Program, National Institutes of Health
Classification: Uncertain significance for Familial thoracic aortic aneurysm and aortic dissection. Last evaluated: 2023-08-15. Review status: criteria provided, single submitter. Criteria: ACMG Guidelines, 2015. Collection method: clinical testing. Allele origin: germline. Inheritance: Autosomal dominant inheritance. Observed: 1 variant allele, 1 heterozygote.
Comment: This variant is located in the 3' untranslated region of the ACTA2 gene. To our knowledge, functional studies have not been reported for this variant. This variant has not been reported in individuals affected with ACTA2-related disorders in the literature. This variant has not been identified in the general population by the Genome Aggregation Database (gnomAD). The available evidence is insufficient to determine the role of this variant in disease conclusively. Therefore, this variant is classified as a Variant of Uncertain Significance.

This study involves interpretation of variants in research participants for the purpose of population health screening. Participant phenotype was not available at the time of variant classification. Additional details can be found in publication PMID: 35346344, PMCID: PMC8962531

NM_001613.4(ACTA2):c.*3C>T

Genes: ACTA2-AS1 (ACTA2 antisense RNA 1; plus strand), ACTA2 (actin alpha 2, smooth muscle; minus strand). Cytogenetic location: 10q23.31.
Variant type: single nucleotide variant.
Coding change: c.*3C>T on transcript NM_001613.4 (MANE Select); 3 bases downstream of the stop codon, C replaced by T.
Molecular consequence: 3 prime UTR variant. On other transcripts: non-coding transcript variant (1).
Genome position (GRCh38, 1-based): chr10:88,935,220, G>A on the plus strand (C>T on the coding strand, the complement: ACTA2 is on the minus strand). VCF-style: chr10-88935220-G-A. GRCh37 (hg19) VCF-style: chr10-90694977-G-A.
Other names: c.*3C>T (NM_001141945.3, NM_001320855.2, NM_001406462.1 and 7 more transcripts).
Identifiers: ClinVar variation 3072687 (VCV003072687.1), dbSNP rs2494501189, ClinGen allele CA470729023.